The following is an entry in ClinVar:

ClinVar aggregate classification (germline): Conflicting classifications of pathogenicity. Review status: criteria provided, conflicting classifications (1 of 4 stars). 2 submissions from 2 submitters: Uncertain significance (1); Likely benign (1). Last evaluated 2023-03-23.

Conditions:
Hereditary cancer-predisposing syndrome. Also called: Neoplastic Syndromes, Hereditary; Tumor predisposition; Hereditary Cancer Syndrome; Hereditary neoplastic syndrome. Identifiers: Orphanet 140162, MedGen C0027672, MeSH D009386, MONDO:0015356.

Submissions (2):

University of Washington Department of Laboratory Medicine, University of Washington
Classification: Likely benign for Hereditary cancer-predisposing syndrome. Last evaluated: 2023-03-23. Review status: criteria provided, single submitter. Criteria: Dines et al. (Genet Med. 2020). Collection method: curation. Allele origin: germline.
Comment: Missense variant in a coldspot region where missense variants are very unlikely to be pathogenic (PMID:31911673).

BRCA2 exon 11 coldspot. Reclassification based on statistical prior probability.

Ambry Genetics
Classification: Uncertain significance for Hereditary cancer-predisposing syndrome. Last evaluated: 2022-08-23. Review status: criteria provided, single submitter. Criteria: Ambry Variant Classification Scheme 2023. Collection method: clinical testing. Allele origin: germline.
Comment: The p.E714G variant (also known as c.2141A>G), located in coding exon 10 of the BRCA2 gene, results from an A to G substitution at nucleotide position 2141. The glutamic acid at codon 714 is replaced by glycine, an amino acid with similar properties. This amino acid position is conserved. In addition, this alteration is predicted to be tolerated by in silico analysis. Since supporting evidence is limited at this time, the clinical significance of this alteration remains unclear.

NM_000059.4(BRCA2):c.2141A>G (p.Glu714Gly)

Gene: BRCA2 (BRCA2 DNA repair associated; plus strand). Cytogenetic location: 13q13.1.
Variant type: single nucleotide variant.
Coding change: c.2141A>G on transcript NM_000059.4 (MANE Select); coding-DNA position 2141, A replaced by G.
Protein change: p.Glu714Gly; replaces glutamic acid 714 with glycine.
Molecular consequence: missense variant.
Genome position (GRCh38, 1-based): chr13:32,336,496, A>G. VCF-style: chr13-32336496-A-G. GRCh37 (hg19) VCF-style: chr13-32910633-A-G.
Other names: c.2141A>G, p.Glu714Gly (NM_001406719.1, NM_001406720.1); short protein forms E714G.
Identifiers: ClinVar variation 1786590 (VCV001786590.4), dbSNP rs2137483648, ClinGen allele CA387770131.
Genomic context (GRCh38, chr13:32,336,496, plus strand): 5'-ATAAGGAAAAACTACAGTTATTTATTACCCCAGAAGCTGATTCTCTGTCATGCCTGCAGG[A>G]AGGACAGTGTGAAAATGATCCAAAAAGCAAAAAAGTTTCAGATATAAAAGAAGAGGTCTT-3'
Protein context (NP_000050.3, residues 704-724): PEADSLSCLQ[Glu714Gly]GQCENDPKSK